The following is an entry in ClinVar:

NM_025152.3(NUBPL):c.815-27T>C

Gene: NUBPL (NUBP iron-sulfur cluster assembly factor, mitochondrial; plus strand). Cytogenetic location: 14q12.
Variant type: single nucleotide variant.
Coding change: c.815-27T>C on transcript NM_025152.3 (MANE Select); 27 bases into the intron before coding-DNA position 815, T replaced by C.
Molecular consequence: intron variant.
Genome position (GRCh38, 1-based): chr14:31,850,092, T>C. VCF-style: chr14-31850092-T-C. GRCh37 (hg19) VCF-style: chr14-32319298-T-C.
Other names: p.?; c.527-27T>C (NM_001201573.2); c.266-27T>C (NM_001201574.2).
Identifiers: ClinVar variation 50317 (VCV000050317.81), dbSNP rs118161496, ClinGen allele CA322897.

ClinVar aggregate classification (germline): Conflicting classifications of pathogenicity. Review status: criteria provided, conflicting classifications (1 of 4 stars). 22 submissions from 21 submitters: Pathogenic (6); Likely pathogenic (6); Uncertain significance (8). 2 of the submissions do not count toward it. Last evaluated 2025-12-30.

Conditions:
Mitochondrial complex I deficiency. Also called: NADH:Q(1) OXIDOREDUCTASE DEFICIENCY. Identifiers: Orphanet 2609, MedGen C1838979, MeSH C537475, MONDO:0100133.
Mitochondrial complex I deficiency, nuclear type 21. Also called: Mitochondrial complex 1 deficiency, nuclear type 21. Identifiers: MedGen C4748792, MONDO:0032625, OMIM 618242.
NUBPL-related disorder. Also called: NUBPL-related condition.
Inborn genetic diseases. Identifiers: MedGen C0950123, MeSH D030342.

Allele frequency attached by ClinVar (database versions not stated): gnomAD exomes 0.00381 and 0.00345; 1000 Genomes Project 30x 0.00172; 1000 Genomes Project 0.00200; TOPMed 0.00228; gnomAD 0.00343 and 0.00348; ESP Exome Variant Server 0.00348; ExAC 0.00373.
gnomAD v4.1: 5,867 of 1,571,878 alleles (0.37%); highest among the groups gnomAD compares: Non-Finnish European, 0.41%; 22 homozygotes.

Submissions 1 to 9 of 22:

Variantyx, Inc.
Classification: Pathogenic for Mitochondrial complex I deficiency, nuclear type 21. Last evaluated: 2025-12-30. Review status: criteria provided, single submitter. Criteria: Variantyx Assertion Criteria 2022. Collection method: clinical testing. Allele origin: germline. Inheritance: Autosomal recessive inheritance. Affected: no.
Comment: This is an intronic variant in the NUBPL gene (OMIM: 613621). Pathogenic variants in this gene have been associated with autosomal recessive mitochondrial complex I deficiency nuclear type 21. This variant has been reported in homozygous or compound heterozygous state in several unrelated affected individuals (PMID: 32518176, 32371413, 29417091, 20818383, 23553477) (PM3_Strong). Functional studies have shown that this variant disrupts splicing and results in loss of function, which is a known disease mechanism for NUBPL in this disorder (PMID: 22072591, 23828044) (PVS1_Strong). This variant has a 0.4438% maximum allele frequency in non-founder control populations. Based on the current evidence, this variant is classified as pathogenic for autosomal recessive mitochondrial complex I deficiency nuclear type 21.

Greenwood Genetic Center Diagnostic Laboratories, Greenwood Genetic Center
Classification: Pathogenic for Mitochondrial complex I deficiency, nuclear type 21. Last evaluated: 2025-12-04. Review status: criteria provided, single submitter. Criteria: ACMG Guidelines, 2015. Collection method: clinical testing. Allele origin: germline. Affected: yes.
Comment: PS3, PM3_Strong

Women's Health and Genetics/Laboratory Corporation of America, LabCorp
Classification: Uncertain significance. Last evaluated: 2025-12-03. Review status: criteria provided, single submitter. Criteria: LabCorp Variant Classification Summary - May 2015. Collection method: clinical testing. Allele origin: germline.
Comment: Variant summary: NUBPL c.815-27T>C is located at a position not widely known to affect splicing. Consensus agreement among computation tools predict no significant impact on normal splicing. At least 3 publications report experimental evidence that this variant affects mRNA splicing (Tucker_2012, Kimonis_2021, Calvo_2010). The variant allele was found at a frequency of 0.0034 in 248676 control chromosomes in the gnomAD database, including at least 10 homozygotes. The observed variant frequency exceeds the estimated maximal expected allele frequency for disease-causing variants in NUBPL. c.815-27T>C has been reported in the presumed or confirmed compound heterozygous state in the literature in multiple individuals affected with Mitochondrial Complex 1 Deficiency, Nuclear Type 21 (e.g. Calvo_2010, Kevelam_2013, Haskell_2018, Maclean_2018, Kimonis_2021), however it is usually observed in cis with the c.166G>A (p.G56R) variant on a pathogenic haplotype c.[166G>A;815-27T>C]. These data indicate that the variant has an unclear association with disease when in isolation. At least one publication reports experimental evidence evaluating an impact on protein expression, finding that a heterozygous control with the variant exhibited lower expression of NUBPL protein (Tucker_2012). The following publications have been ascertained in the context of this evaluation (PMID: 20818383, 23553477, 22072591, 32518176, 29982452, 29417091). ClinVar contains an entry for this variant (Variation ID: 50317). Based on the evidence outlined above, the variant was classified as VUS-possibly pathogenic.

Laboratory of Genetics, Children's Clinical University Hospital Latvia
Classification: Likely pathogenic. Last evaluated: 2025-07-15. Review status: criteria provided, single submitter. Criteria: ACMG Guidelines, 2015. Collection method: clinical testing. Allele origin: germline. Affected: yes.

PreventionGenetics, part of Exact Sciences
Classification: Uncertain significance for NUBPL-related condition. Last evaluated: 2025-05-23. Review status: criteria provided, single submitter. Criteria: ACMG Guidelines, 2015. Collection method: clinical testing. Allele origin: germline.
Comment: The NUBPL c.815-27T>C variant is predicted to interfere with splicing. This variant has been reported in the compound heterozygous state in several unrelated patients with mitochondrial complex I deficiency, nuclear type 21 (Calvo et al. 2010. PubMed ID: 20818383; Tucker et al. 2012. PubMed ID: 22072591; Kimonis et al. 2020. PubMed ID: 32518176). RT-PCR demonstrated that this variant could ablate a consensus branch sequence and cause exon skipping by use of a cryptic acceptor site in the NUBPL gene (Tucker et al. 2012. PubMed ID: 22072591). In vitro studies have also revealed functional defects caused by this variant (Tucker et al. 2012. PubMed ID: 22072591; Wydro et al. 2013. PubMed ID: 23828044). Of note, this variant has a high allele frequency (1.29%) in European Finnish population. It was hypothesized that the c.815-27T>C branch-site variant was only pathogenic in combination with another c.166G>A missense variant that is found in most of the reported patients (Wydro et al. 2013. PubMed ID: 23828044). However, another study suggests that the c.166G>A variant is not required for pathogenicity of the c.815-27T>C variant as the c.815-27T>C variant was observed alone in trans with a different missense variant in trans in two siblings and an unrelated individual (Patients 1A, 1B and 4 in Kimonis et al. 2020. PubMed ID: 32518176). A ~400 kb deletion including the NUBPL gene was reported in trans with the c.815-27T>C variant in an individual with mitochondrial complex I deficiency (Case 30, Miller et al. 2020. PubMed ID: 32371413). It is unclear if that individual also had the c.166G>A on the remaining allele consistent with the well-known [c.166G>A; c.815-27T>C] haplotype. In summary, although we suspect that the c.815-27T>C variant could be pathogenic, at this time, the clinical significance of this variant is uncertain due to the absence of conclusive functional and genetic evidence.

Undiagnosed Diseases Network, NIH
Classification: Pathogenic for Mitochondrial complex I deficiency, nuclear type 21. Last evaluated: 2025-04-08. Review status: criteria provided, single submitter. Criteria: ACMG Guidelines, 2015. Collection method: clinical testing. Allele origin: maternal. Inheritance: Autosomal recessive inheritance. Affected: yes. Observed: 1 variant allele, 1 compound heterozygote. Study: Undiagnosed Diseases Network (NIH), UDN.
Comment: This variant has been previously reported, often co-occurring in cis with the c.166G>A (p.G56R) variant, in a homozygous state or in conjunction with another variant in individuals with mitochondrial complex I deficiency (PMID: 20818383, 23553477, 29417091, 32518176). Fibroblasts from patients with this variant produces diminished residual complex I activity (PMID: 20818383). This intronic variant is predicted to alter splicing (SpliceAI: 0.710, Acceptor Loss), impact the native branch site, and may lead toexon 10 skipping (PMID 20818383).

Mayo Clinic Laboratories, Mayo Clinic
Classification: Likely pathogenic. Last evaluated: 2025-03-26. Review status: criteria provided, single submitter. Criteria: ACMG Guidelines, 2015. Collection method: clinical testing. Allele origin: germline. Observed: 10 variant alleles.
Comment: PP1, PP3, PM3, PS3

CeGaT Center for Human Genetics Tuebingen
Classification: Uncertain significance. Last evaluated: 2025-03-01. Review status: criteria provided, single submitter. Criteria: CeGaT Center For Human Genetics Tuebingen Variant Classification Criteria Version 2. Collection method: clinical testing. Allele origin: germline. Affected: yes. Observed: 4 variant alleles.
Comment: NUBPL: PM3:Strong, PS3:Moderate, PM2:Supporting, PP3, BS2

First Genomix Gene Laboratory, Genetic Diagnostics Department
Classification: Likely pathogenic for Mitochondrial complex I deficiency, nuclear type 21. Last evaluated: 2025-01-08. Review status: criteria provided, single submitter. Criteria: ACMG Guidelines, 2015. Collection method: clinical testing. Allele origin: germline. Inheritance: Autosomal recessive inheritance. Affected: no. Observed: 1 variant allele.